The following is an entry in ClinVar:

ClinVar aggregate classification (germline): Uncertain significance. Review status: criteria provided, multiple submitters, no conflicts (2 of 4 stars). 3 submissions from 3 submitters: Uncertain significance (3). Last evaluated 2025-04-08.

Conditions:
Breast and/or ovarian cancer. Identifiers: MedGen CN221562.
Hereditary cancer-predisposing syndrome. Also called: Hereditary Cancer Syndrome; Neoplastic Syndromes, Hereditary; Tumor predisposition; Hereditary neoplastic syndrome. Identifiers: Orphanet 140162, MedGen C0027672, MeSH D009386, MONDO:0015356.
Familial cancer of breast. Also called: Hereditary breast cancer; BREAST CANCER, FAMILIAL; hereditary breast carcinoma. Identifiers: Orphanet 227535, MedGen C0346153, MONDO:0016419, OMIM 114480. Disease mechanism: loss of function.

Allele frequency attached by ClinVar (database versions not stated): gnomAD exomes below 0.00001.
gnomAD v4.1: 1 of 1,612,242 alleles (0.000062%); highest among the groups gnomAD compares: Middle Eastern, 0.017%; no homozygotes.

Submissions (3):

Labcorp Genetics (formerly Invitae), Labcorp
Classification: Uncertain significance for Familial cancer of breast. Last evaluated: 2025-04-08. Review status: criteria provided, single submitter. Criteria: Invitae Variant Classification Sherloc (09022015). Collection method: clinical testing. Allele origin: germline.
Comment: This sequence change falls in intron 6 of the BARD1 gene. It does not directly change the encoded amino acid sequence of the BARD1 protein. It affects a nucleotide within the consensus splice site. This variant is not present in population databases (gnomAD no frequency). This variant has not been reported in the literature in individuals affected with BARD1-related conditions. ClinVar contains an entry for this variant (Variation ID: 489657). Variants that disrupt the consensus splice site are a relatively common cause of aberrant splicing (PMID: 17576681, 9536098). RNA analysis performed to evaluate the impact of this variant on mRNA splicing indicates it does not significantly alter splicing (internal data). In summary, the available evidence is currently insufficient to determine the role of this variant in disease. Therefore, it has been classified as a Variant of Uncertain Significance.

Color Diagnostics, LLC DBA Color Health
Classification: Uncertain significance for Hereditary cancer-predisposing syndrome. Last evaluated: 2025-03-24. Review status: criteria provided, single submitter. Criteria: ACMG Guidelines, 2015. Collection method: clinical testing. Allele origin: germline.
Comment: This variant causes a T to A nucleotide substitution at the +6 position of intron 6/10 of the BARD1 gene. To our knowledge, functional studies have not been reported for this variant. This variant has not been reported in individuals affected with BARD1-related disorders in the literature. This variant has not been identified in the general population by the Genome Aggregation Database (gnomAD). The available evidence is insufficient to determine the role of this variant in disease conclusively. Therefore, this variant is classified as a Variant of Uncertain Significance.

CHEO Genetics Diagnostic Laboratory, Children's Hospital of Eastern Ontario
Classification: Uncertain significance for Breast and/or ovarian cancer. Last evaluated: 2023-01-05. Review status: criteria provided, single submitter. Criteria: ACMG Guidelines, 2015. Collection method: clinical testing. Allele origin: germline.

Literature cited by the submitters: PubMed 17576681 (cited by Labcorp Genetics (formerly Invitae), Labcorp); PubMed 9536098 (cited by Labcorp Genetics (formerly Invitae), Labcorp).

NM_000465.4(BARD1):c.1568+6T>A

Gene: BARD1 (BRCA1 associated RING domain 1; minus strand). Cytogenetic location: 2q35.
Variant type: single nucleotide variant.
Coding change: c.1568+6T>A on transcript NM_000465.4 (MANE Select); 6 bases into the intron after coding-DNA position 1568, T replaced by A.
Molecular consequence: intron variant.
Genome position (GRCh38, 1-based): chr2:214,767,476, A>T on the plus strand (T>A on the coding strand, the complement: BARD1 is on the minus strand). VCF-style: chr2-214767476-A-T. GRCh37 (hg19) VCF-style: chr2-215632200-A-T.
Other names: c.1568+6T>A (LRG_297t1, NM_000465.2); c.159-14921T>A (NM_001282548.2); c.1511+6T>A (NM_001282543.2); c.216-14921T>A (NM_001282545.2); c.364+24821T>A (NM_001282549.2).
Identifiers: ClinVar variation 489657 (VCV000489657.17), dbSNP rs1553619192, ClinGen allele CA658683285.